The following is an entry in ClinVar:

ClinVar aggregate classification (germline): Uncertain significance (1 of 4 stars; one submission).

Allele frequency attached by ClinVar (database versions not stated): TOPMed 0.00001.
gnomAD v4.1: 12 of 1,573,934 alleles (0.00076%); highest among the groups gnomAD compares: East Asian, 0.0023%; no homozygotes.

Submission:

Labcorp Genetics (formerly Invitae), Labcorp
Classification: Uncertain significance. Last evaluated: 2022-08-19. Review status: criteria provided, single submitter. Criteria: Invitae Variant Classification Sherloc (09022015). Collection method: clinical testing. Allele origin: germline.
Comment: This sequence change replaces serine, which is neutral and polar, with leucine, which is neutral and non-polar, at codon 458 of the LIG1 protein (p.Ser458Leu). This variant is not present in population databases (gnomAD no frequency). This variant has not been reported in the literature in individuals affected with LIG1-related conditions. Algorithms developed to predict the effect of missense changes on protein structure and function (SIFT, PolyPhen-2, Align-GVGD) all suggest that this variant is likely to be disruptive. In summary, the available evidence is currently insufficient to determine the role of this variant in disease. Therefore, it has been classified as a Variant of Uncertain Significance.

NM_000234.3(LIG1):c.1373C>T (p.Ser458Leu)

Gene: LIG1 (DNA ligase 1; minus strand). Cytogenetic location: 19q13.33.
Variant type: single nucleotide variant.
Coding change: c.1373C>T on transcript NM_000234.3 (MANE Select); coding-DNA position 1373, C replaced by T.
Protein change: p.Ser458Leu; replaces serine 458 with leucine.
Molecular consequence: missense variant. On other transcripts: non-coding transcript variant (6).
Genome position (GRCh38, 1-based): chr19:48,136,084, G>A on the plus strand (C>T on the coding strand, the complement: LIG1 is on the minus strand). VCF-style: chr19-48136084-G-A. GRCh37 (hg19) VCF-style: chr19-48639341-G-A.
Other names: c.1280C>T, p.Ser427Leu (NM_001289063.2); c.1169C>T, p.Ser390Leu (NM_001289064.2); c.1370C>T, p.Ser457Leu (NM_001320970.2); c.1283C>T, p.Ser428Leu (NM_001320971.2); short protein forms S390L, S457L, S458L, S427L, S428L.
Identifiers: ClinVar variation 1907541 (VCV001907541.2), dbSNP rs1243913943, ClinGen allele CA406648695.